The following is an entry in ClinVar:

NM_000264.5(PTCH1):c.1916A>G (p.Tyr639Cys)

Genes: PTCH1 (patched 1; minus strand), LOC100507346 (uncharacterized LOC100507346; plus strand). Cytogenetic location: 9q22.32.
Variant type: single nucleotide variant.
Coding change: c.1916A>G on transcript NM_000264.5 (MANE Select); coding-DNA position 1916, A replaced by G.
Protein change: p.Tyr639Cys; replaces tyrosine 639 with cysteine.
Molecular consequence: missense variant. On other transcripts: non-coding transcript variant (2).
Genome position (GRCh38, 1-based): chr9:95,469,085, T>C on the plus strand (A>G on the coding strand, the complement: PTCH1 is on the minus strand). VCF-style: chr9-95469085-T-C. GRCh37 (hg19) VCF-style: chr9-98231367-T-C.
Other names: c.1718A>G, p.Tyr573Cys (NM_001083602.3); c.1913A>G, p.Tyr638Cys (NM_001083603.3); c.1463A>G, p.Tyr488Cys (NM_001083604.3, NM_001083605.3, NM_001083606.3 and 1 more transcripts); c.1760A>G, p.Tyr587Cys (NM_001354918.2); short protein forms Y488C, Y587C, Y639C, Y573C, Y638C.
Identifiers: ClinVar variation 3015043 (VCV003015043.4), dbSNP rs2118054380, ClinGen allele CA374116055.
Genomic context (GRCh38, chr9:95,469,085, plus strand): 5'-TGCATGGTAATCTGCGTTTCATGGGCAAAGCTGTGGCTGCTGTAGGGAGGTGGGGGGCTG[T>C]AGCGGGTATTGTCGTGTGTGTCGGTGTAGGCCTGAGGTTCAACCTGAATCACTCTGCTGA-3'
Protein context (NP_000255.2, residues 629-649): AYTDTHDNTR[Tyr639Cys]SPPPPYSSHS

ClinVar aggregate classification (germline): Uncertain significance. Review status: criteria provided, multiple submitters, no conflicts (2 of 4 stars). 2 submissions from 2 submitters: Uncertain significance (2). Last evaluated 2026-02-19.

Conditions:
Hereditary cancer-predisposing syndrome. Also called: Neoplastic Syndromes, Hereditary; Tumor predisposition; Hereditary Cancer Syndrome; Hereditary neoplastic syndrome. Identifiers: Orphanet 140162, MedGen C0027672, MeSH D009386, MONDO:0015356.
Gorlin syndrome. Also called: Nevoid Basal Cell Carcinoma Syndrome; Basal cell nevus syndrome. Identifiers: Orphanet 377, MedGen C0004779, MONDO:0007187.

gnomAD v4.1: 1 of 1,613,954 alleles (0.000062%); highest among the groups gnomAD compares: Non-Finnish European, 0.000085%; no homozygotes.

Submissions (2):

Ambry Genetics
Classification: Uncertain significance for Hereditary cancer-predisposing syndrome. Last evaluated: 2026-02-19. Review status: criteria provided, single submitter. Criteria: Ambry Variant Classification Scheme 2023. Collection method: clinical testing. Allele origin: germline.
Comment: The p.Y639C variant (also known as c.1916A>G), located in coding exon 14 of the PTCH1 gene, results from an A to G substitution at nucleotide position 1916. The tyrosine at codon 639 is replaced by cysteine, an amino acid with highly dissimilar properties. This amino acid position is conserved. In addition, the in silico prediction for this alteration is inconclusive. Based on the available evidence, the clinical significance of this variant remains unclear.

Labcorp Genetics (formerly Invitae), Labcorp
Classification: Uncertain significance for Gorlin syndrome. Last evaluated: 2025-05-13. Review status: criteria provided, single submitter. Criteria: Invitae Variant Classification Sherloc (09022015). Collection method: clinical testing. Allele origin: germline.
Comment: This sequence change replaces tyrosine, which is neutral and polar, with cysteine, which is neutral and slightly polar, at codon 639 of the PTCH1 protein (p.Tyr639Cys). This variant is not present in population databases (gnomAD no frequency). This variant has not been reported in the literature in individuals affected with PTCH1-related conditions. ClinVar contains an entry for this variant (Variation ID: 3015043). Invitae Evidence Modeling of protein sequence and biophysical properties (such as structural, functional, and spatial information, amino acid conservation, physicochemical variation, residue mobility, and thermodynamic stability) indicates that this missense variant is not expected to disrupt PTCH1 protein function with a negative predictive value of 95%. In summary, the available evidence is currently insufficient to determine the role of this variant in disease. Therefore, it has been classified as a Variant of Uncertain Significance.